The following is an entry in ClinVar:

ClinVar aggregate classification (germline): Uncertain significance (1 of 4 stars; one submission).

Conditions:
Fanconi anemia (FA). Also called: Fanconi's anemia. Identifiers: Orphanet 84, MedGen C0015625, MeSH D005199, MONDO:0019391.

Submission:

Labcorp Genetics (formerly Invitae), Labcorp
Classification: Uncertain significance for Fanconi anemia. Last evaluated: 2022-01-12. Review status: criteria provided, single submitter. Criteria: Invitae Variant Classification Sherloc (09022015). Collection method: clinical testing. Allele origin: germline.
Comment: This variant is not present in population databases (gnomAD no frequency). This sequence change replaces glutamic acid, which is acidic and polar, with aspartic acid, which is acidic and polar, at codon 887 of the FANCM protein (p.Glu887Asp). This variant has not been reported in the literature in individuals affected with FANCM-related conditions. In summary, the available evidence is currently insufficient to determine the role of this variant in disease. Therefore, it has been classified as a Variant of Uncertain Significance. Algorithms developed to predict the effect of missense changes on protein structure and function output the following: SIFT: "Tolerated"; PolyPhen-2: "Benign"; Align-GVGD: "Class C0". The aspartic acid amino acid residue is found in multiple mammalian species, which suggests that this missense change does not adversely affect protein function. ClinVar contains an entry for this variant (Variation ID: 862380).

NM_020937.4(FANCM):c.2661A>C (p.Glu887Asp)

Gene: FANCM (FA complementation group M; plus strand). Cytogenetic location: 14q21.2.
Variant type: single nucleotide variant.
Coding change: c.2661A>C on transcript NM_020937.4 (MANE Select); coding-DNA position 2661, A replaced by C.
Protein change: p.Glu887Asp; replaces glutamic acid 887 with aspartic acid.
Molecular consequence: missense variant.
Genome position (GRCh38, 1-based): chr14:45,175,415, A>C. VCF-style: chr14-45175415-A-C. GRCh37 (hg19) VCF-style: chr14-45644618-A-C.
Other names: c.2583A>C, p.Glu861Asp (NM_001308133.2); short protein forms E887D, E861D.
Identifiers: ClinVar variation 862380 (VCV000862380.9), dbSNP rs1888608441, ClinGen allele CA389598342.
Genomic context (GRCh38, chr14:45,175,415, plus strand): 5'-AAAAGAAAATAATCACGGTATTATAGATTCTGTAGATAATGACAGAAATTCCACTGTTGA[A>C]AATATTTTTCAAGAAGACCTACCAAATGATAAAAGGACATCAGATACAGATGAAATTGCT-3'
Protein context (NP_065988.1, residues 877-897): SVDNDRNSTV[Glu887Asp]NIFQEDLPND